The following is an entry in ClinVar:

ClinVar aggregate classification (germline): Uncertain significance. Review status: criteria provided, multiple submitters, no conflicts (2 of 4 stars). 3 submissions from 3 submitters: Uncertain significance (3). Last evaluated 2024-03-05.

Conditions:
Arrhythmogenic right ventricular cardiomyopathy (ARVD). Also called: Arrhythmogenic cardiomyopathy; Cardiomyopathy, ARVC; Arrhythmogenic right ventricular dysplasia; Arrhythmogenic Right Ventricular Cardiomyopathy (ARVC). Identifiers: Orphanet 247, MedGen C0349788, MeSH D019571, MONDO:0016587. Disease mechanism: loss of function. Inheritance: Various modes of inheritance.
Cardiomyopathy (CMYO). Also called: Cardiomyopathies. Identifiers: Orphanet 167848, MedGen C0878544, MONDO:0004994, HP:0001638. Inheritance: Various modes of inheritance.
Arrhythmogenic right ventricular dysplasia 10. Also called: Arrhythmogenic Right Ventricular Dysplasia/Cardiomyopathy10; ARRHYTHMOGENIC RIGHT VENTRICULAR DYSPLASIA, FAMILIAL, 10; Arrhythmogenic right ventricular dysplasia/cardiomyopathy, type 10. Identifiers: MedGen C1857777, MONDO:0012434, OMIM 610193.

Submissions (3):

All of Us Research Program, National Institutes of Health
Classification: Uncertain significance for Arrhythmogenic right ventricular cardiomyopathy. Last evaluated: 2024-03-05. Review status: criteria provided, single submitter. Criteria: ACMG Guidelines, 2015. Collection method: clinical testing. Allele origin: germline. Inheritance: Autosomal dominant inheritance. Observed: 1 variant allele, 1 heterozygote.
Comment: This missense variant replaces threonine with alanine at codon 160 of the DSG2 protein. Computational prediction tools and conservation analyses are inconclusive regarding the impact of this variant on the protein function. Computational splicing tools suggest that this variant may not impact RNA splicing. To our knowledge, functional assays have not been performed for this variant nor has this variant been reported in individuals affected with cardiovascular disorders in the literature. This variant has not been identified in the general population by the Genome Aggregation Database (gnomAD). Available evidence is insufficient to determine the role of this variant in disease conclusively. Therefore, this variant is classified as a Variant of Uncertain Significance.

This study involves interpretation of variants in research participants for the purpose of population health screening. Participant phenotype was not available at the time of variant classification. Additional details can be found in publication PMID: 35346344, PMCID: PMC8962531

Color Diagnostics, LLC DBA Color Health
Classification: Uncertain significance for Cardiomyopathy. Last evaluated: 2023-12-04. Review status: criteria provided, single submitter. Criteria: ACMG Guidelines, 2015. Collection method: clinical testing. Allele origin: germline.
Comment: This missense variant replaces threonine with alanine at codon 160 of the DSG2 protein. Computational prediction tools and conservation analyses are inconclusive regarding the impact of this variant on the protein function. Computational splicing tools suggest that this variant may not impact RNA splicing. To our knowledge, functional assays have not been performed for this variant nor has this variant been reported in individuals affected with cardiovascular disorders in the literature. This variant has not been identified in the general population by the Genome Aggregation Database (gnomAD). Available evidence is insufficient to determine the role of this variant in disease conclusively. Therefore, this variant is classified as a Variant of Uncertain Significance.

Labcorp Genetics (formerly Invitae), Labcorp
Classification: Uncertain significance for Arrhythmogenic right ventricular dysplasia 10. Last evaluated: 2023-08-11. Review status: criteria provided, single submitter. Criteria: Invitae Variant Classification Sherloc (09022015). Collection method: clinical testing. Allele origin: germline.
Comment: In summary, the available evidence is currently insufficient to determine the role of this variant in disease. Therefore, it has been classified as a Variant of Uncertain Significance. Advanced modeling of protein sequence and biophysical properties (such as structural, functional, and spatial information, amino acid conservation, physicochemical variation, residue mobility, and thermodynamic stability) performed at Invitae indicates that this missense variant is not expected to disrupt DSG2 protein function. ClinVar contains an entry for this variant (Variation ID: 918404). This variant has not been reported in the literature in individuals affected with DSG2-related conditions. This variant is not present in population databases (gnomAD no frequency). This sequence change replaces threonine, which is neutral and polar, with alanine, which is neutral and non-polar, at codon 160 of the DSG2 protein (p.Thr160Ala).

NM_001943.5(DSG2):c.478A>G (p.Thr160Ala)

Gene: DSG2 (desmoglein 2; plus strand). Cytogenetic location: 18q12.1.
Variant type: single nucleotide variant.
Coding change: c.478A>G on transcript NM_001943.5 (MANE Select); coding-DNA position 478, A replaced by G.
Protein change: p.Thr160Ala; replaces threonine 160 with alanine.
Molecular consequence: missense variant.
Genome position (GRCh38, 1-based): chr18:31,521,198, A>G. VCF-style: chr18-31521198-A-G. GRCh37 (hg19) VCF-style: chr18-29101161-A-G.
Other names: short protein forms T160A.
Identifiers: ClinVar variation 918404 (VCV000918404.9), dbSNP rs2073126133, ClinGen allele CA402132295.
Genomic context (GRCh38, chr18:31,521,198, plus strand): 5'-GAGAAACCCTTAGAGCTACGCATTAAGGTTCTTGATATCAATGACAACGAACCAGTGTTC[A>G]CACAGGATGTCTTTGTTGGGTCTGTTGAAGAGTTGAGTGCAGCACGTAAGAGTCTTTTTT-3'
Protein context (NP_001934.2, residues 150-170): LDINDNEPVF[Thr160Ala]QDVFVGSVEE